The following is an entry in ClinVar:

ClinVar aggregate classification (germline): Uncertain significance (1 of 4 stars; one submission).

Conditions:
Hereditary cancer-predisposing syndrome. Also called: Neoplastic Syndromes, Hereditary; Hereditary neoplastic syndrome; Tumor predisposition; Hereditary Cancer Syndrome. Identifiers: Orphanet 140162, MedGen C0027672, MeSH D009386, MONDO:0015356.

Submission:

Ambry Genetics
Classification: Uncertain significance for Hereditary cancer-predisposing syndrome. Last evaluated: 2023-01-22. Review status: criteria provided, single submitter. Criteria: Ambry Variant Classification Scheme 2023. Collection method: clinical testing. Allele origin: germline.
Comment: The p.C501Y variant (also known as c.1502G>A), located in coding exon 9 of the PDGFRA gene, results from a G to A substitution at nucleotide position 1502. The cysteine at codon 501 is replaced by tyrosine, an amino acid with highly dissimilar properties. This amino acid position is conserved. In addition, this alteration is predicted to be deleterious by in silico analysis. Since supporting evidence is limited at this time, the clinical significance of this alteration remains unclear.

NM_006206.6(PDGFRA):c.1502G>A (p.Cys501Tyr)

Gene: PDGFRA (platelet derived growth factor receptor alpha; plus strand). Cytogenetic location: 4q12.
Variant type: single nucleotide variant.
Coding change: c.1502G>A on transcript NM_006206.6 (MANE Select); coding-DNA position 1502, G replaced by A.
Protein change: p.Cys501Tyr; replaces cysteine 501 with tyrosine.
Molecular consequence: missense variant.
Genome position (GRCh38, 1-based): chr4:54,273,674, G>A. VCF-style: chr4-54273674-G-A. GRCh37 (hg19) VCF-style: chr4-55139841-G-A.
Other names: c.1502G>A, p.Cys501Tyr (NM_001347827.2, NM_001347829.2); c.1577G>A, p.Cys526Tyr (NM_001347828.2); c.1541G>A, p.Cys514Tyr (NM_001347830.2); short protein forms C526Y, C501Y, C514Y.
Identifiers: ClinVar variation 2453865 (VCV002453865.2), dbSNP rs2475488893, ClinGen allele CA356892695.
Genomic context (GRCh38, chr4:54,273,674, plus strand): 5'-GGAGTACCGTGGAGGGCCGTGTGACTTTCGCCAAAGTGGAGGAGACCATCGCCGTGCGAT[G>A]CCTGGCTAAGAATCTCCTTGGAGCTGAGAACCGAGAGCTGAAGCTGGTGGCTCCCAGTGA-3'
Protein context (NP_006197.1, residues 491-511): AKVEETIAVR[Cys501Tyr]LAKNLLGAEN